The following is an entry in ClinVar:

NM_005956.4(MTHFD1):c.1111T>C (p.Tyr371His)

Gene: MTHFD1 (methylenetetrahydrofolate dehydrogenase, cyclohydrolase and formyltetrahydrofolate synthetase 1; plus strand). Cytogenetic location: 14q23.3.
Variant type: single nucleotide variant.
Coding change: c.1111T>C on transcript NM_005956.4 (MANE Select); coding-DNA position 1111, T replaced by C.
Protein change: p.Tyr371His; replaces tyrosine 371 with histidine.
Molecular consequence: missense variant.
Genome position (GRCh38, 1-based): chr14:64,426,176, T>C. VCF-style: chr14-64426176-T-C. GRCh37 (hg19) VCF-style: chr14-64892894-T-C.
Other names: c.1111T>C, p.Tyr371His (NM_001364837.1); short protein forms Y371H.
Identifiers: ClinVar variation 2114919 (VCV002114919.3), dbSNP rs200300930, ClinGen allele CA7226123.

ClinVar aggregate classification (germline): Uncertain significance (1 of 4 stars; one submission).

Allele frequency attached by ClinVar (database versions not stated): gnomAD exomes 0.00001; ExAC 0.00002; gnomAD 0.00003.
gnomAD v4.1: 21 of 1,614,044 alleles (0.0013%); highest among the groups gnomAD compares: Non-Finnish European, 0.00068%; no homozygotes.

Submission:

Labcorp Genetics (formerly Invitae), Labcorp
Classification: Uncertain significance. Last evaluated: 2022-09-27. Review status: criteria provided, single submitter. Criteria: Invitae Variant Classification Sherloc (09022015). Collection method: clinical testing. Allele origin: germline.
Comment: In summary, the available evidence is currently insufficient to determine the role of this variant in disease. Therefore, it has been classified as a Variant of Uncertain Significance. Advanced modeling of protein sequence and biophysical properties (such as structural, functional, and spatial information, amino acid conservation, physicochemical variation, residue mobility, and thermodynamic stability) performed at Invitae indicates that this missense variant is expected to disrupt MTHFD1 protein function. This variant has not been reported in the literature in individuals affected with MTHFD1-related conditions. This variant is present in population databases (rs200300930, gnomAD 0.03%). This sequence change replaces tyrosine, which is neutral and polar, with histidine, which is basic and polar, at codon 371 of the MTHFD1 protein (p.Tyr371His).